The following is an entry in ClinVar:

NM_203447.4(DOCK8):c.6180G>C (p.Met2060Ile)

Gene: DOCK8 (dedicator of cytokinesis 8; plus strand). Cytogenetic location: 9p24.3.
Variant type: single nucleotide variant.
Coding change: c.6180G>C on transcript NM_203447.4 (MANE Select); coding-DNA position 6180, G replaced by C.
Protein change: p.Met2060Ile; replaces methionine 2060 with isoleucine.
Molecular consequence: missense variant.
Genome position (GRCh38, 1-based): chr9:463,628, G>C. VCF-style: chr9-463628-G-C. GRCh37 (hg19) VCF-style: chr9-463628-G-C.
Other names: c.5880G>C, p.Met1960Ile (NM_001190458.2); c.5976G>C, p.Met1992Ile (NM_001193536.2); short protein forms M1960I, M2060I, M1992I.
Identifiers: ClinVar variation 1347560 (VCV001347560.8), dbSNP rs2131982586, ClinGen allele CA372751779.
Genomic context (GRCh38, chr9:463,628, plus strand): 5'-GGAATATCAGCAGGAACTCAAAAAGAACTATAACAAGCTAAAAGAGAACCTCAGGCCAAT[G>C]ATCGAGCGGAAAATTCCAGAACTGTACAAGCCAATATTCAGAGTTGAGAGTCAAAAGAGG-3'
Protein context (NP_982272.2, residues 2050-2070): YNKLKENLRP[Met2060Ile]IERKIPELYK

ClinVar aggregate classification (germline): Uncertain significance (1 of 4 stars; one submission).

Conditions:
Combined immunodeficiency due to DOCK8 deficiency (HIES2). Also called: HIES autosomal recessive; Hyper-IgE recurrent infection syndrome, autosomal recessive; HYPER-IgE SYNDROME 2, AUTOSOMAL RECESSIVE, WITH RECURRENT INFECTIONS; DOCK8 Deficiency; HYPER-IgE RECURRENT INFECTION SYNDROME 2, AUTOSOMAL RECESSIVE. Identifiers: Orphanet 217390, MedGen C4722305, MONDO:0009478, OMIM 243700.

Submission:

Labcorp Genetics (formerly Invitae), Labcorp
Classification: Uncertain significance for Combined immunodeficiency due to DOCK8 deficiency. Last evaluated: 2021-05-31. Review status: criteria provided, single submitter. Criteria: Invitae Variant Classification Sherloc (09022015). Collection method: clinical testing. Allele origin: germline.
Comment: In summary, the available evidence is currently insufficient to determine the role of this variant in disease. Therefore, it has been classified as a Variant of Uncertain Significance. Algorithms developed to predict the effect of missense changes on protein structure and function are either unavailable or do not agree on the potential impact of this missense change (SIFT: "Tolerated"; PolyPhen-2: "Probably Damaging"; Align-GVGD: "Class C0"). This variant has not been reported in the literature in individuals with DOCK8-related conditions. This variant is not present in population databases (ExAC no frequency). This sequence change replaces methionine with isoleucine at codon 2060 of the DOCK8 protein (p.Met2060Ile). The methionine residue is highly conserved and there is a small physicochemical difference between methionine and isoleucine.